The following is an entry in ClinVar:

NM_000390.4(CHM):c.1695dup (p.Asn566Ter)

Gene: CHM (CHM Rab escort protein; minus strand). Cytogenetic location: Xq21.2.
Variant type: Duplication.
Coding change: c.1695dup on transcript NM_000390.4 (MANE Select); coding-DNA position 1695, one base duplicated (T; older notation c.1695dupT).
Protein change: p.Asn566Ter; replaces asparagine 566 with a stop codon.
Molecular consequence: nonsense.
Genome position (GRCh38, 1-based): chrX:85,873,127, A duplicated on the plus strand (T on the coding strand, the reverse complement: CHM is on the minus strand). VCF-style (leftmost placement, unchanged base first): chrX-85873126-T-TA. GRCh37 (hg19) VCF-style: chrX-85128131-T-TA.
Other names: c.1251dup, p.Asn418Ter (NM_001320959.1, NM_001362517.1, NM_001362518.2 and 1 more transcripts); short protein forms N418*, N566*.
Identifiers: ClinVar variation 936969 (VCV000936969.7), dbSNP rs1702025708, ClinGen allele CA1139667700.

ClinVar aggregate classification (germline): Pathogenic (1 of 4 stars; one submission).

Submission:

Labcorp Genetics (formerly Invitae), Labcorp
Classification: Pathogenic. Last evaluated: 2019-10-10. Review status: criteria provided, single submitter. Criteria: Invitae Variant Classification Sherloc (09022015). Collection method: clinical testing. Allele origin: germline.
Comment: This sequence change creates a premature translational stop signal (p.Asn566*) in the CHM gene. It is expected to result in an absent or disrupted protein product. This variant is not present in population databases (ExAC no frequency). This variant has not been reported in the literature in individuals with CHM-related conditions. Loss-of-function variants in CHM are known to be pathogenic (PMID: 9067750, 23811034). For these reasons, this variant has been classified as Pathogenic.

Literature cited by the submitters: PubMed 9067750; PubMed 23811034.